The following is an entry in ClinVar:

ClinVar aggregate classification (germline): Pathogenic (1 of 4 stars; one submission).

Conditions:
Niemann-Pick disease, type B. Also called: Chronic Visceral ASMD (Niemann-Pick Disease Type B; NPD-B). Identifiers: Orphanet 77293, MedGen C0268243, MONDO:0011871, OMIM 607616. Disease mechanism: loss of function.
Niemann-Pick disease, type A. Also called: Infantile Neurovisceral ASMD (Niemann-Pick Disease Type A; NPD-A); SPHINGOMYELIN LIPIDOSIS; SPHINGOMYELINASE DEFICIENCY. Identifiers: Orphanet 77292, MedGen C0268242, MONDO:0009756, OMIM 257200. Disease mechanism: loss of function.

gnomAD v4.1: 2 of 1,614,114 alleles (0.00012%); highest among the groups gnomAD compares: Non-Finnish European, 0.00017%; no homozygotes.

Submission:

Labcorp Genetics (formerly Invitae), Labcorp
Classification: Pathogenic for Niemann-Pick disease, type B; Niemann-Pick disease, type A. Last evaluated: 2022-02-02. Review status: criteria provided, single submitter. Criteria: Invitae Variant Classification Sherloc (09022015). Collection method: clinical testing. Allele origin: germline.
Comment: For these reasons, this variant has been classified as Pathogenic. This variant disrupts a region of the SMPD1 protein in which other variant(s) (p.Arg602Valfs*11) have been determined to be pathogenic (PMID: 27338287; Invitae). This suggests that this is a clinically significant region of the protein, and that variants that disrupt it are likely to be disease-causing. This variant has not been reported in the literature in individuals affected with SMPD1-related conditions. This variant is present in population databases (no rsID available, gnomAD 0.0009%). This sequence change creates a premature translational stop signal (p.Tyr519*) in the SMPD1 gene. While this is not anticipated to result in nonsense mediated decay, it is expected to disrupt the last 113 amino acid(s) of the SMPD1 protein.

Literature cited by the submitters: PubMed 27338287.

NM_000543.5(SMPD1):c.1557C>A (p.Tyr519Ter)

Gene: SMPD1 (sphingomyelin phosphodiesterase 1; plus strand). Cytogenetic location: 11p15.4.
Variant type: single nucleotide variant.
Coding change: c.1557C>A on transcript NM_000543.5 (MANE Select); coding-DNA position 1557, C replaced by A.
Protein change: p.Tyr519Ter; replaces tyrosine 519 with a stop codon.
Molecular consequence: nonsense. On other transcripts: 3 prime UTR variant (1), non-coding transcript variant (2).
Genome position (GRCh38, 1-based): chr11:6,394,268, C>A. VCF-style: chr11-6394268-C-A. GRCh37 (hg19) VCF-style: chr11-6415498-C-A.
Other names: c.1554C>A, p.Tyr518Ter (NM_001007593.3); c.*50C>A (NM_001318087.2); c.636C>A, p.Tyr212Ter (NM_001318088.2); c.1425C>A, p.Tyr475Ter (NM_001365135.2); short protein forms Y475*, Y212*, Y518*, Y519*.
Identifiers: ClinVar variation 2092023 (VCV002092023.4), dbSNP rs756192072, ClinGen allele CA379376207.
Genomic context (GRCh38, chr11:6,394,268, plus strand): 5'-GTACCAAATAGATGGAAACTACTCCGGGAGCTCTCACGTGGTCCTGGACCATGAGACCTA[C>A]ATCCTGAATCTGACCCAGGCAAACATACCGGGAGCCATACCGCACTGGCAGCTTCTCTAC-3'